The following is an entry in ClinVar:

ClinVar aggregate classification (germline): Likely pathogenic. Review status: criteria provided, multiple submitters, no conflicts (2 of 4 stars). 2 submissions from 2 submitters: Likely pathogenic (2). Last evaluated 2023-07-08.

Conditions:
Epidermolysis bullosa dystrophica. Also called: Dystrophic epidermolysis bullosa, Hallopeau-Siemens type (formerly); Dystrophic epidermolysis bullosa. Identifiers: Orphanet 303, MedGen C0079294, MONDO:0006543.

Allele frequency attached by ClinVar (database versions not stated): gnomAD 0.00001.
gnomAD v4.1: 10 of 1,613,912 alleles (0.00062%); highest among the groups gnomAD compares: South Asian, 0.0044%; no homozygotes.

Submissions (2):

Labcorp Genetics (formerly Invitae), Labcorp
Classification: Likely pathogenic. Last evaluated: 2023-07-08. Review status: criteria provided, single submitter. Criteria: Invitae Variant Classification Sherloc (09022015). Collection method: clinical testing. Allele origin: germline.
Comment: Algorithms developed to predict the effect of sequence changes on RNA splicing suggest that this variant may create or strengthen a splice site. This sequence change replaces glycine, which is neutral and non-polar, with valine, which is neutral and non-polar, at codon 2114 of the COL7A1 protein (p.Gly2114Val). This variant is not present in population databases (gnomAD no frequency). This variant has not been reported in the literature in individuals affected with COL7A1-related conditions. ClinVar contains an entry for this variant (Variation ID: 1676257). Advanced modeling of protein sequence and biophysical properties (such as structural, functional, and spatial information, amino acid conservation, physicochemical variation, residue mobility, and thermodynamic stability) performed at Invitae indicates that this missense variant is expected to disrupt COL7A1 protein function. This variant disrupts the triple helix domain of COL7A1. Glycine residues within the Gly-Xaa-Yaa repeats of the triple helix domain are required for the structure and stability of fibrillar collagens (PMID: 7695699, 8218237, 19344236), and variants at these glycine residues in COL7A1 are more frequently observed in individuals with disease than in the general population (PMID: 22058051). However, the clinical significance of this observation remains uncertain since only a limited number of affected individuals have been described to date. This variant disrupts the p.Gly2114 amino acid residue in COL7A1. Other variant(s) that disrupt this residue have been determined to be pathogenic (PMID: 31090061). This suggests that this residue is clinically significant, and that variants that disrupt this residue are likely to be disease-causing. In summary, the currently available evidence indicates that the variant is pathogenic, but additional data are needed to prove that conclusively. Therefore, this variant has been classified as Likely Pathogenic.

Molecular Genetics, Royal Melbourne Hospital
Classification: Likely pathogenic for Epidermolysis bullosa dystrophica. Last evaluated: 2023-03-30. Review status: criteria provided, single submitter. Criteria: ACMG Guidelines, 2015. Collection method: clinical testing. Allele origin: germline. Affected: yes.
Comment: This sequence change in COL7A1 is predicted to replace glycine with valine at codon 2114, p.(Gly2114Val). The glycine residue is moderately conserved (100 vertebrates, UCSC), and alters a critical glycine residue in a collagen triple helix repeat (Gly-X-Y) in the collagenous domain. There is a large physicochemical difference between glycine and valine. This variant is present in a single individual in gnomAD v3.1 in the South Asian population (1/4,824 alleles). To our knowledge, this variant has not been reported in the literature in any individuals with COL7A1-related disorders. Multiple lines of computational evidence predict a deleterious effect for the missense substitution (6/6 algorithms). Another missense variant c.6341G>A p.(Gly2114Asp) in the same codon has been classified as likely pathogenic for recessive dystrophic epidermolysis bullosa (PMID: 20920254, 31090061). Based on the classification scheme RMH Modified ACMG Guidelines v1.4.0, this variant is classified as LIKELY PATHOGENIC. Following criteria are met: PM1, PM5, PM2_Supporting, PP3.

Literature cited by the submitters: PubMed 7695699 (cited by Labcorp Genetics (formerly Invitae), Labcorp); PubMed 8218237 (cited by Labcorp Genetics (formerly Invitae), Labcorp); PubMed 19344236 (cited by Labcorp Genetics (formerly Invitae), Labcorp); PubMed 22058051 (cited by Labcorp Genetics (formerly Invitae), Labcorp); PubMed 31090061 (cited by Labcorp Genetics (formerly Invitae), Labcorp and Molecular Genetics, Royal Melbourne Hospital); PubMed 20920254 (cited by Molecular Genetics, Royal Melbourne Hospital).

NM_000094.4(COL7A1):c.6341G>T (p.Gly2114Val)

Gene: COL7A1 (collagen type VII alpha 1 chain; minus strand). Cytogenetic location: 3p21.31.
Variant type: single nucleotide variant.
Coding change: c.6341G>T on transcript NM_000094.4 (MANE Select); coding-DNA position 6341, G replaced by T.
Protein change: p.Gly2114Val; replaces glycine 2114 with valine.
Molecular consequence: missense variant.
Genome position (GRCh38, 1-based): chr3:48,574,804, C>A on the plus strand (G>T on the coding strand, the complement: COL7A1 is on the minus strand). VCF-style: chr3-48574804-C-A. GRCh37 (hg19) VCF-style: chr3-48612237-C-A.
Other names: short protein forms G2114V.
Identifiers: ClinVar variation 1676257 (VCV001676257.8), dbSNP rs2044175577, ClinGen allele CA352659576.